The following is an entry in ClinVar:

ClinVar aggregate classification (germline): Likely benign. Review status: criteria provided, multiple submitters, no conflicts (2 of 4 stars). 2 submissions from 2 submitters: Likely benign (2). Last evaluated 2025-03-12.

Conditions:
Progressive encephalopathy with leukodystrophy due to DECR deficiency. Identifiers: Orphanet 431361, MedGen C1857252, MONDO:0014464, OMIM 616034.

Allele frequency attached by ClinVar (database versions not stated): TOPMed below 0.00001; ExAC 0.00001; gnomAD 0.00001; gnomAD exomes 0.00001 and 0.00003.
gnomAD v4.1: 58 of 1,612,290 alleles (0.0036%); highest among the groups gnomAD compares: Non-Finnish European, 0.0042%; no homozygotes.

Submissions (2):

Labcorp Genetics (formerly Invitae), Labcorp
Classification: Likely benign for Progressive encephalopathy with leukodystrophy due to DECR deficiency. Last evaluated: 2025-03-12. Review status: criteria provided, single submitter. Criteria: Invitae Variant Classification Sherloc (09022015). Collection method: clinical testing. Allele origin: germline.

CeGaT Center for Human Genetics Tuebingen
Classification: Likely benign. Last evaluated: 2024-03-01. Review status: criteria provided, single submitter. Criteria: CeGaT Center For Human Genetics Tuebingen Variant Classification Criteria Version 2. Collection method: clinical testing. Allele origin: germline. Affected: yes. Observed: 1 variant allele.
Comment: NADK2: BP4, BP7

NM_001085411.3(NADK2):c.1152A>G (p.Arg384=)

Gene: NADK2 (NAD kinase 2, mitochondrial; minus strand). Cytogenetic location: 5p13.2.
Variant type: single nucleotide variant.
Coding change: c.1152A>G on transcript NM_001085411.3 (MANE Select); coding-DNA position 1152, A replaced by G.
Protein change: p.Arg384=; no amino-acid change (arginine 384 retained).
Molecular consequence: synonymous variant.
Genome position (GRCh38, 1-based): chr5:36,197,579, T>C on the plus strand (A>G on the coding strand, the complement: NADK2 is on the minus strand). VCF-style: chr5-36197579-T-C. GRCh37 (hg19) VCF-style: chr5-36197681-T-C.
Other names: c.729A>G, p.Arg243= (NM_001287341.2); c.663A>G, p.Arg221= (NM_153013.5, NM_001287340.2).
Identifiers: ClinVar variation 1695123 (VCV001695123.32), dbSNP rs765140114, ClinGen allele CA3234501.